The following is an entry in ClinVar:

ClinVar aggregate classification (germline): Uncertain significance (1 of 4 stars; one submission).

Conditions:
Mendelian susceptibility to mycobacterial diseases due to complete IL12B deficiency. Also called: IL12B DEFICIENCY; Immunodeficiency 29. Identifiers: Orphanet 319558, MedGen C4013948, MONDO:0013954, OMIM 614890.

Submission:

Labcorp Genetics (formerly Invitae), Labcorp
Classification: Uncertain significance for Mendelian susceptibility to mycobacterial diseases due to complete IL12B deficiency. Last evaluated: 2022-08-16. Review status: criteria provided, single submitter. Criteria: Invitae Variant Classification Sherloc (09022015). Collection method: clinical testing. Allele origin: germline.
Comment: In summary, the available evidence is currently insufficient to determine the role of this variant in disease. Therefore, it has been classified as a Variant of Uncertain Significance. Algorithms developed to predict the effect of missense changes on protein structure and function (SIFT, PolyPhen-2, Align-GVGD) all suggest that this variant is likely to be tolerated. ClinVar contains an entry for this variant (Variation ID: 1375353). This variant has not been reported in the literature in individuals affected with IL12B-related conditions. This variant is not present in population databases (gnomAD no frequency). This sequence change replaces histidine, which is basic and polar, with tyrosine, which is neutral and polar, at codon 91 of the IL12B protein (p.His91Tyr).

NM_002187.3(IL12B):c.271C>T (p.His91Tyr)

Gene: IL12B (interleukin 12B; minus strand). Cytogenetic location: 5q33.3.
Variant type: single nucleotide variant.
Coding change: c.271C>T on transcript NM_002187.3 (MANE Select); coding-DNA position 271, C replaced by T.
Protein change: p.His91Tyr; replaces histidine 91 with tyrosine.
Molecular consequence: missense variant.
Genome position (GRCh38, 1-based): chr5:159,323,147, G>A on the plus strand (C>T on the coding strand, the complement: IL12B is on the minus strand). VCF-style: chr5-159323147-G-A. GRCh37 (hg19) VCF-style: chr5-158750155-G-A.
Other names: short protein forms H91Y.
Identifiers: ClinVar variation 1375353 (VCV001375353.8), dbSNP rs2113030116, ClinGen allele CA362035588.